The following is an entry in ClinVar:

NM_170606.3(KMT2C):c.366T>C (p.Ser122=)

Gene: KMT2C (lysine methyltransferase 2C; minus strand). Cytogenetic location: 7q36.1.
Variant type: single nucleotide variant.
Coding change: c.366T>C on transcript NM_170606.3 (MANE Select); coding-DNA position 366, T replaced by C.
Protein change: p.Ser122=; no amino-acid change (serine 122 retained).
Molecular consequence: synonymous variant.
Genome position (GRCh38, 1-based): chr7:152,330,624, A>G on the plus strand (T>C on the coding strand, the complement: KMT2C is on the minus strand). VCF-style: chr7-152330624-A-G. GRCh37 (hg19) VCF-style: chr7-152027709-A-G.
Identifiers: ClinVar variation 2658245 (VCV002658245.24), dbSNP rs2486196524, ClinGen allele CA458799154.

ClinVar aggregate classification (germline): Likely benign (1 of 4 stars; one submission).

Submission:

CeGaT Center for Human Genetics Tuebingen
Classification: Likely benign. Last evaluated: 2022-12-01. Review status: criteria provided, single submitter. Criteria: CeGaT Center For Human Genetics Tuebingen Variant Classification Criteria Version 2. Collection method: clinical testing. Allele origin: germline. Affected: yes. Observed: 1 variant allele.
Comment: KMT2C: PM2:Supporting, BP4, BP7